The following is an entry in ClinVar:

NM_000257.4(MYH7):c.3763C>G (p.Gln1255Glu)

Gene: MYH7 (myosin heavy chain 7; minus strand). Cytogenetic location: 14q11.2.
Variant type: single nucleotide variant.
Coding change: c.3763C>G on transcript NM_000257.4 (MANE Select); coding-DNA position 3763, C replaced by G.
Protein change: p.Gln1255Glu; replaces glutamine 1255 with glutamic acid.
Molecular consequence: missense variant.
Genome position (GRCh38, 1-based): chr14:23,419,573, G>C on the plus strand (C>G on the coding strand, the complement: MYH7 is on the minus strand). VCF-style: chr14-23419573-G-C. GRCh37 (hg19) VCF-style: chr14-23888782-G-C.
Other names: c.3763C>G, p.Gln1255Glu (NM_001407004.1); short protein forms Q1255E.
Identifiers: ClinVar variation 3636013 (VCV003636013.2).

ClinVar aggregate classification (germline): Uncertain significance (1 of 4 stars; one submission).

Conditions:
Hypertrophic cardiomyopathy. Also called: HYPERTROPHIC MYOCARDIOPATHY. Identifiers: Orphanet 217569, MedGen C0007194, MeSH D002312, MONDO:0005045, HP:0001639.

Submission:

Labcorp Genetics (formerly Invitae), Labcorp
Classification: Uncertain significance for Hypertrophic cardiomyopathy. Last evaluated: 2024-09-21. Review status: criteria provided, single submitter. Criteria: Invitae Variant Classification Sherloc (09022015). Collection method: clinical testing. Allele origin: germline.
Comment: This sequence change replaces glutamine, which is neutral and polar, with glutamic acid, which is acidic and polar, at codon 1255 of the MYH7 protein (p.Gln1255Glu). This variant is not present in population databases (gnomAD no frequency). This variant has not been reported in the literature in individuals affected with MYH7-related conditions. Invitae Evidence Modeling of protein sequence and biophysical properties (such as structural, functional, and spatial information, amino acid conservation, physicochemical variation, residue mobility, and thermodynamic stability) indicates that this missense variant is expected to disrupt MYH7 protein function with a positive predictive value of 95%. In summary, the available evidence is currently insufficient to determine the role of this variant in disease. Therefore, it has been classified as a Variant of Uncertain Significance.